The following is an entry in ClinVar:

ClinVar aggregate classification (germline): Uncertain significance (1 of 4 stars; one submission).

gnomAD v4.1: 35 of 1,196,797 alleles (0.0029%); highest among the groups gnomAD compares: Non-Finnish European, 0.0039%; no homozygotes.

Submission:

Ambry Genetics
Classification: Uncertain significance. Last evaluated: 2026-03-27. Review status: criteria provided, single submitter. Criteria: Ambry Variant Classification Scheme 2023. Collection method: clinical testing. Allele origin: germline.
Comment: The c.1528A>G (p.N510D) alteration is located in exon 6 (coding exon 5) of the ZNF75D gene. This alteration results from a A to G substitution at nucleotide position 1528, causing the asparagine (N) at amino acid position 510 to be replaced by an aspartic acid (D). Based on data from gnomAD, the G allele has an overall frequency of <0.001% (1/191601) total alleles studied. The highest observed frequency was 0.001% (1/88964) of European (non-Finnish) alleles. Based on insufficient or conflicting evidence, the clinical significance of this alteration remains unclear.

NM_007131.5(ZNF75D):c.1528A>G (p.Asn510Asp)

Gene: ZNF75D (zinc finger protein 75D; minus strand). Cytogenetic location: Xq26.3.
Variant type: single nucleotide variant.
Coding change: c.1528A>G on transcript NM_007131.5 (MANE Select); coding-DNA position 1528, A replaced by G.
Protein change: p.Asn510Asp; replaces asparagine 510 with aspartic acid.
Molecular consequence: missense variant.
Genome position (GRCh38, 1-based): chrX:135,287,142, T>C on the plus strand (A>G on the coding strand, the complement: ZNF75D is on the minus strand). VCF-style: chrX-135287142-T-C. GRCh37 (hg19) VCF-style: chrX-134421074-T-C.
Other names: c.1243A>G, p.Asn415Asp (NM_001185063.2); short protein forms N415D, N510D.
Identifiers: ClinVar variation 4867060 (VCV004867060.1).